The following is an entry in ClinVar:

NM_014476.6(PDLIM3):c.793+29G>A

Gene: PDLIM3 (PDZ and LIM domain 3; minus strand). Cytogenetic location: 4q35.1.
Variant type: single nucleotide variant.
Coding change: c.793+29G>A on transcript NM_014476.6 (MANE Select); 29 bases into the intron after coding-DNA position 793, G replaced by A.
Molecular consequence: intron variant.
Genome position (GRCh38, 1-based): chr4:185,506,493, C>T on the plus strand (G>A on the coding strand, the complement: PDLIM3 is on the minus strand). VCF-style: chr4-185506493-C-T. GRCh37 (hg19) VCF-style: chr4-186427647-C-T.
Other names: c.292+29G>A (NM_001257963.2); c.529+29G>A (NM_001257962.2); c.649+29G>A (NM_001114107.5).
Identifiers: ClinVar variation 674107 (VCV000674107.2), dbSNP rs56776875, ClinGen allele CA3159696.

ClinVar aggregate classification (germline): Likely benign. Review status: criteria provided, multiple submitters, no conflicts (2 of 4 stars). 2 submissions from 2 submitters: Likely benign (2). Last evaluated 2018-06-14.

Allele frequency attached by ClinVar (database versions not stated): gnomAD exomes 0.00104 and 0.00267; ExAC 0.00324; gnomAD 0.01071 and 0.01151; ESP Exome Variant Server 0.01107; TOPMed 0.01164; 1000 Genomes Project 0.01318; 1000 Genomes Project 30x 0.01468.
gnomAD v4.1: 3,203 of 1,613,080 alleles (0.2%); highest among the groups gnomAD compares: African/African-American, 3.8%; 77 homozygotes.

Submissions (2):

GeneDx
Classification: Likely benign. Last evaluated: 2018-06-14. Review status: criteria provided, single submitter. Criteria: GeneDx Variant Classification (06012015). Collection method: clinical testing. Allele origin: germline. Affected: yes.
Comment: This variant is considered likely benign or benign based on one or more of the following criteria: it is a conservative change, it occurs at a poorly conserved position in the protein, it is predicted to be benign by multiple in silico algorithms, and/or has population frequency not consistent with disease.

Breakthrough Genomics
Classification: Likely benign. Review status: criteria provided, single submitter. Criteria: ACMG Guidelines, 2015. Collection method: not provided. Allele origin: germline. Inheritance: Unknown mechanism. Affected: yes.